The following is an entry in ClinVar:

NM_005732.4(RAD50):c.3928A>G (p.Asn1310Asp)

Genes: RAD50 (RAD50 double strand break repair protein; plus strand), TH2LCRR (T helper type 2 locus control region associated RNA; minus strand). Cytogenetic location: 5q31.1.
Variant type: single nucleotide variant.
Coding change: c.3928A>G on transcript NM_005732.4 (MANE Select); coding-DNA position 3928, A replaced by G.
Protein change: p.Asn1310Asp; replaces asparagine 1310 with aspartic acid.
Molecular consequence: missense variant.
Genome position (GRCh38, 1-based): chr5:132,642,353, A>G. VCF-style: chr5-132642353-A-G. GRCh37 (hg19) VCF-style: chr5-131978045-A-G.
Other names: short protein forms N1310D.
Identifiers: ClinVar variation 663846 (VCV000663846.10), dbSNP rs1581025242, ClinGen allele CA360937713.

ClinVar aggregate classification (germline): Uncertain significance. Review status: criteria provided, multiple submitters, no conflicts (2 of 4 stars). 2 submissions from 2 submitters: Uncertain significance (2). Last evaluated 2025-12-08.

Conditions:
Hereditary cancer-predisposing syndrome. Also called: Neoplastic Syndromes, Hereditary; Tumor predisposition; Hereditary neoplastic syndrome; Hereditary Cancer Syndrome. Identifiers: Orphanet 140162, MedGen C0027672, MeSH D009386, MONDO:0015356.

Submissions (2):

Labcorp Genetics (formerly Invitae), Labcorp
Classification: Uncertain significance for Hereditary cancer-predisposing syndrome. Last evaluated: 2025-12-08. Review status: criteria provided, single submitter. Criteria: Invitae Variant Classification Sherloc (09022015). Collection method: clinical testing. Allele origin: germline.
Comment: This sequence change replaces asparagine, which is neutral and polar, with aspartic acid, which is acidic and polar, at codon 1310 of the RAD50 protein (p.Asn1310Asp). This variant is not present in population databases (gnomAD no frequency). This variant has not been reported in the literature in individuals affected with RAD50-related conditions. ClinVar contains an entry for this variant (Variation ID: 663846). An algorithm developed to predict the effect of missense changes on protein structure and function (PolyPhen-2) suggests that this variant is likely to be tolerated. In summary, the available evidence is currently insufficient to determine the role of this variant in disease. Therefore, it has been classified as a Variant of Uncertain Significance.

Ambry Genetics
Classification: Uncertain significance for Hereditary cancer-predisposing syndrome. Last evaluated: 2024-06-24. Review status: criteria provided, single submitter. Criteria: Ambry Variant Classification Scheme 2023. Collection method: clinical testing. Allele origin: germline.
Comment: The p.N1310D variant (also known as c.3928A>G), located in coding exon 25 of the RAD50 gene, results from an A to G substitution at nucleotide position 3928. The asparagine at codon 1310 is replaced by aspartic acid, an amino acid with highly similar properties. This amino acid position is conserved. In addition, this alteration is predicted to be tolerated by in silico analysis. Based on the available evidence, the clinical significance of this variant remains unclear.